The following is an entry in ClinVar:

NM_031372.4(HNRNPDL):c.813_817del (p.Asn271fs)

Gene: HNRNPDL (heterogeneous nuclear ribonucleoprotein D like; minus strand). Cytogenetic location: 4q21.22.
Variant type: Deletion.
Coding change: c.813_817del on transcript NM_031372.4 (MANE Select); coding-DNA positions 813 to 817, 5 bases deleted (TGAAA; older notation c.813_817delTGAAA).
Protein change: p.Asn271fs; shifts the reading frame from asparagine 271.
Molecular consequence: frameshift variant. On other transcripts: non-coding transcript variant (1).
Genome position (GRCh38, 1-based): chr4:82,427,522-82,427,526, TTTCA deleted on the plus strand (TGAAA on the coding strand, the reverse complement: HNRNPDL is on the minus strand); deleting any 5 consecutive bases within chr4:82,427,522-82,427,529 gives the same sequence; the c. name uses the placement nearest the transcript's 3' end. VCF-style (leftmost placement, unchanged base first): chr4-82427521-CTTTCA-C. GRCh37 (hg19) VCF-style: chr4-83348674-CTTTCA-C.
Other names: c.813_817del, p.Asn271fs (NM_001207000.1); short protein forms N271fs.
Identifiers: ClinVar variation 4282124 (VCV004282124.1).

ClinVar aggregate classification (germline): Uncertain significance (1 of 4 stars; one submission).

Submission:

GeneDx
Classification: Uncertain significance. Last evaluated: 2025-04-12. Review status: criteria provided, single submitter. Criteria: GeneDx Variant Classification Process June 2021. Collection method: clinical testing. Allele origin: germline. Affected: yes.
Comment: Not observed at significant frequency in large population cohorts (gnomAD); Frameshift variant predicted to result in protein truncation or nonsense mediated decay in a gene or region of a gene for which loss of function is not a well-established mechanism of disease; Has not been previously published as pathogenic or benign to our knowledge